The following is an entry in ClinVar:

ClinVar aggregate classification (germline): Likely pathogenic (1 of 4 stars; one submission).

Conditions:
VPS13A-related neurodegenerative disease. Also called: LEVINE-CRITCHLEY SYNDROME; Choreoacanthocytosis; Chorea-acanthocytosis; VPS13A Disease; Choreaacanthocytosis; ACANTHOCYTOSIS WITH NEUROLOGIC DISORDER. Identifiers: Orphanet 2388, MedGen C0393576, MONDO:0008695, OMIM 200150.

Submission:

Natera, Inc.
Classification: Likely pathogenic for Choreaacanthocytosis. Last evaluated: 2025-05-12. Review status: criteria provided, single submitter. Criteria: Natera Variant Classification Schema (03/2026). Collection method: clinical testing. Allele origin: germline.
Comment: The c.7951C>T variant in VPS13A is a nonsense variant predicted to introduce a stop codon at amino acid 2651. This variant is expected to result in nonsense mediated decay, truncation, or a dysfunctional protein product. This variant is rare in the general population with a frequency below the threshold expected for the associated phenotype(s). Given the available evidence, this variant is classified as Likely Pathogenic.

NM_033305.3(VPS13A):c.7951C>T (p.Gln2651Ter)

Gene: VPS13A (vacuolar protein sorting 13 homolog A; plus strand). Cytogenetic location: 9q21.2.
Variant type: single nucleotide variant.
Coding change: c.7951C>T on transcript NM_033305.3 (MANE Select); coding-DNA position 7951, C replaced by T.
Protein change: p.Gln2651Ter; replaces glutamine 2651 with a stop codon.
Molecular consequence: nonsense.
Genome position (GRCh38, 1-based): chr9:77,357,836, C>T. VCF-style: chr9-77357836-C-T. GRCh37 (hg19) VCF-style: chr9-79972752-C-T.
Other names: c.7834C>T, p.Gln2612Ter (NM_001018037.2); c.7951C>T, p.Gln2651Ter (NM_001018038.3, NM_015186.4); short protein forms Q2612*, Q2651*.
Identifiers: ClinVar variation 4062914 (VCV004062914.2).
Genomic context (GRCh38, chr9:77,357,836, plus strand): 5'-AAAGTGGAATATAACACATCTGCACATCAATCATCATTTAGAATTCAGATTTACAGAATA[C>T]AGGTAAGTCTTTCTGAAAATATAGGCAAAATTGTATTCTAAAGGAATGCAATAAGAAACC-3'